The following is an entry in ClinVar:

ClinVar aggregate classification (germline): Uncertain significance (1 of 4 stars; one submission).

Conditions:
Hereditary cancer-predisposing syndrome. Also called: Neoplastic Syndromes, Hereditary; Tumor predisposition; Hereditary Cancer Syndrome; Hereditary neoplastic syndrome. Identifiers: Orphanet 140162, MedGen C0027672, MeSH D009386, MONDO:0015356.

Submission:

Ambry Genetics
Classification: Uncertain significance for Hereditary cancer-predisposing syndrome. Last evaluated: 2022-05-20. Review status: criteria provided, single submitter. Criteria: Ambry Variant Classification Scheme 2023. Collection method: clinical testing. Allele origin: germline.
Comment: The c.2030_2032delTCTinsGCC variant, located in coding exon 11 of the BARD1 gene, results from an in-frame deletion of TCT and insertion of GCC at nucleotide positions 2030 to 2032. This results in the substitution of the phenylalanine and tyrosine residues for cysteine and histidine residues at codons 677 and 678. This amino acid region is well conserved in available vertebrate species. In addition, this alteration is predicted to be deleterious by in silico analysis (Choi Y et al. PLoS ONE. 2012; 7(10):e46688). Since supporting evidence is limited at this time, the clinical significance of this alteration remains unclear

NM_000465.4(BARD1):c.2030_2032delinsGCC (p.Phe677_Tyr678delinsCysHis)

Gene: BARD1 (BRCA1 associated RING domain 1; minus strand). Cytogenetic location: 2q35.
Variant type: Indel.
Coding change: c.2030_2032delinsGCC on transcript NM_000465.4 (MANE Select); coding-DNA positions 2030 to 2032, TCT replaced by GCC.
Protein change: p.Phe677_Tyr678delinsCysHis.
Molecular consequence: missense variant. On other transcripts: non-coding transcript variant (3).
Genome position (GRCh38, 1-based): chr2:214,728,978-214,728,980, AGA replaced by GGC on the plus strand (TCT replaced by GCC on the coding strand, the reverse complement: BARD1 is on the minus strand). VCF-style: chr2-214728978-AGA-GGC. GRCh37 (hg19) VCF-style: chr2-215593702-AGA-GGC.
Other names: c.1973_1975delinsGCC, p.Phe658_Tyr659delinsCysHis (NM_001282543.2); c.677_679delinsGCC, p.Phe226_Tyr227delinsCysHis (NM_001282545.2); c.620_622delinsGCC, p.Phe207_Tyr208delinsCysHis (NM_001282548.2); c.491_493delinsGCC, p.Phe164_Tyr165delinsCysHis (NM_001282549.2).
Identifiers: ClinVar variation 1784751 (VCV001784751.2), dbSNP rs2469271201, ClinGen allele CA2580065650.